The following is an entry in ClinVar:

ClinVar aggregate classification (germline): Uncertain significance. Review status: criteria provided, multiple submitters, no conflicts (2 of 4 stars). 3 submissions from 3 submitters: Uncertain significance (3). Last evaluated 2025-11-10.

Conditions:
Inborn genetic diseases. Identifiers: MedGen C0950123, MeSH D030342.
Deafness-lymphedema-leukemia syndrome. Also called: Lymphedema, primary, with myelodysplasia; Emberger syndrome. Identifiers: Orphanet 3226, MedGen C3279664, MONDO:0013540, OMIM 614038.
Monocytopenia with susceptibility to infections. Also called: MONOCYTOPENIA AND MYCOBACTERIAL INFECTION SYNDROME; MONOCYTOPENIA WITH SUSCEPTIBILITY TO MYCOBACTERIAL, FUNGAL, AND PAPILLOMAVIRUS INFECTIONS AND MYELODYSPLASIA; COMBINED IMMUNODEFICIENCY WITH SUSCEPTIBILITY TO MYCOBACTERIAL, VIRAL, AND FUNGAL INFECTIONS; Dendritic cell, monocyte, B lymphocyte, and natural killer lymphocyte deficiency; IMMUNODEFICIENCY 21; GATA2 DEFICIENCY. Identifiers: Orphanet 228423, MedGen C3280030, MONDO:0013607, OMIM 614172.
Acute myeloid leukemia (AML). Also called: Acute myeloid leukemia, adult; AML adult; Acute non-lymphocytic leukemia; Acute granulocytic leukemia; Leukemia, acute myeloid, somatic; Leukemia, acute myelogenous, somatic. Identifiers: Orphanet 519, MedGen C0023467, MeSH D015470, MONDO:0018874, OMIM 601626, HP:0004808. Disease mechanism: Constitutively activated FLT3.

Allele frequency attached by ClinVar (database versions not stated): gnomAD exomes 0.00001.

Submissions (3):

Labcorp Genetics (formerly Invitae), Labcorp
Classification: Uncertain significance for Monocytopenia with susceptibility to infections; Deafness-lymphedema-leukemia syndrome. Last evaluated: 2025-11-10. Review status: criteria provided, single submitter. Criteria: Invitae Variant Classification Sherloc (09022015). Collection method: clinical testing. Allele origin: germline.
Comment: This sequence change replaces alanine, which is neutral and non-polar, with threonine, which is neutral and polar, at codon 191 of the GATA2 protein (p.Ala191Thr). This variant is present in population databases (no rsID available, gnomAD 0.002%). This variant has not been reported in the literature in individuals affected with GATA2-related conditions. ClinVar contains an entry for this variant (Variation ID: 853707). Invitae Evidence Modeling of protein sequence and biophysical properties (such as structural, functional, and spatial information, amino acid conservation, physicochemical variation, residue mobility, and thermodynamic stability) indicates that this missense variant is not expected to disrupt GATA2 protein function with a negative predictive value of 95%. In summary, the available evidence is currently insufficient to determine the role of this variant in disease. Therefore, it has been classified as a Variant of Uncertain Significance.

Ambry Genetics
Classification: Uncertain significance for Inborn genetic diseases. Last evaluated: 2025-01-15. Review status: criteria provided, single submitter. Criteria: Ambry Variant Classification Scheme 2023. Collection method: clinical testing. Allele origin: germline.
Comment: The p.A191T variant (also known as c.571G>A), located in coding exon 2 of the GATA2 gene, results from a G to A substitution at nucleotide position 571. The alanine at codon 191 is replaced by threonine, an amino acid with similar properties. This amino acid position is well conserved in available vertebrate species; however, threonine is the reference amino acid in other vertebrate species. In addition, the in silico prediction for this alteration is inconclusive. Based on the available evidence, the clinical significance of this variant remains unclear.

Baylor Genetics
Classification: Uncertain significance for Acute myeloid leukemia. Last evaluated: 2023-06-01. Review status: criteria provided, single submitter. Criteria: ACMG Guidelines, 2015. Collection method: clinical testing. Allele origin: unknown.

NM_032638.5(GATA2):c.571G>A (p.Ala191Thr)

Gene: GATA2 (GATA binding protein 2; minus strand). Cytogenetic location: 3q21.3.
Variant type: single nucleotide variant.
Coding change: c.571G>A on transcript NM_032638.5 (MANE Select); coding-DNA position 571, G replaced by A.
Protein change: p.Ala191Thr; replaces alanine 191 with threonine.
Molecular consequence: missense variant.
Genome position (GRCh38, 1-based): chr3:128,486,027, C>T on the plus strand (G>A on the coding strand, the complement: GATA2 is on the minus strand). VCF-style: chr3-128486027-C-T. GRCh37 (hg19) VCF-style: chr3-128204870-C-T.
Other names: c.571G>A, p.Ala191Thr (NM_001145661.2, NM_001145662.1); short protein forms A191T.
Identifiers: ClinVar variation 853707 (VCV000853707.9), dbSNP rs1355811506, ClinGen allele CA354406494.